The following is an entry in ClinVar:

NM_001378418.1(TCF20):c.2120A>G (p.Tyr707Cys)

Gene: TCF20 (transcription factor 20; minus strand). Cytogenetic location: 22q13.2.
Variant type: single nucleotide variant.
Coding change: c.2120A>G on transcript NM_001378418.1 (MANE Select); coding-DNA position 2120, A replaced by G.
Protein change: p.Tyr707Cys; replaces tyrosine 707 with cysteine.
Molecular consequence: missense variant.
Genome position (GRCh38, 1-based): chr22:42,213,186, T>C on the plus strand (A>G on the coding strand, the complement: TCF20 is on the minus strand). VCF-style: chr22-42213186-T-C. GRCh37 (hg19) VCF-style: chr22-42609192-T-C.
Other names: c.2120A>G (NM_005650.1); c.2120A>G, p.Tyr707Cys (NM_005650.4, NM_181492.3); short protein forms Y707C.
Identifiers: ClinVar variation 2067775 (VCV002067775.6), dbSNP rs764736571, ClinGen allele CA10267061.

ClinVar aggregate classification (germline): Conflicting classifications of pathogenicity. Review status: criteria provided, conflicting classifications (1 of 4 stars). 3 submissions from 3 submitters: Uncertain significance (1); Likely benign (2). Last evaluated 2024-10-08.

Conditions:
Inborn genetic diseases. Identifiers: MedGen C0950123, MeSH D030342.

Allele frequency attached by ClinVar (database versions not stated): gnomAD 0.00009; ExAC 0.00002; TOPMed 0.00009; gnomAD exomes 0.00012.
gnomAD v4.1: 181 of 1,614,112 alleles (0.011%); highest among the groups gnomAD compares: Non-Finnish European, 0.014%; 1 homozygote.

Submissions (3):

Ambry Genetics
Classification: Likely benign for Inborn genetic diseases. Last evaluated: 2024-10-08. Review status: criteria provided, single submitter. Criteria: Ambry Variant Classification Scheme 2023. Collection method: clinical testing. Allele origin: germline.

Labcorp Genetics (formerly Invitae), Labcorp
Classification: Likely benign. Last evaluated: 2024-05-22. Review status: criteria provided, single submitter. Criteria: Invitae Variant Classification Sherloc (09022015). Collection method: clinical testing. Allele origin: germline.

Women's Health and Genetics/Laboratory Corporation of America, LabCorp
Classification: Uncertain significance. Last evaluated: 2024-01-04. Review status: criteria provided, single submitter. Criteria: LabCorp Variant Classification Summary - May 2015. Collection method: clinical testing. Allele origin: germline.
Comment: Variant summary: TCF20 c.2120A>G (p.Tyr707Cys) results in a non-conservative amino acid change in the encoded protein sequence. Three of five in-silico tools predict a damaging effect of the variant on protein function. The variant allele was found at a frequency of 5.2e-05 in 251450 control chromosomes. To our knowledge, no occurrence of c.2120A>G in individuals affected with Developmental Delay With Variable Intellectual Impairment And Behavioral Abnormalities and no experimental evidence demonstrating its impact on protein function have been reported. ClinVar contains an entry for this variant (Variation ID: 2067775, VUS). Based on the evidence outlined above, the variant was classified as uncertain significance.